The following is an entry in ClinVar:

ClinVar aggregate classification (germline): Uncertain significance. Review status: criteria provided, multiple submitters, no conflicts (2 of 4 stars). 2 submissions from 2 submitters: Uncertain significance (2). Last evaluated 2026-06-02.

Conditions:
Hereditary cancer-predisposing syndrome. Also called: Neoplastic Syndromes, Hereditary; Tumor predisposition; Hereditary Cancer Syndrome; Hereditary neoplastic syndrome. Identifiers: Orphanet 140162, MedGen C0027672, MeSH D009386, MONDO:0015356.
DICER1-related tumor predisposition. Also called: DICER1 syndrome; DICER1-related pleuropulmonary blastoma cancer predisposition syndrome. Identifiers: Orphanet 284343, MedGen C3839822, MONDO:0100216.

Allele frequency attached by ClinVar (database versions not stated): gnomAD exomes below 0.00001 and 0.00001; ExAC 0.00001; ESP Exome Variant Server 0.00008.
gnomAD v4.1: 1 of 1,613,346 alleles (0.000062%); highest among the groups gnomAD compares: Non-Finnish European, 0.000085%; no homozygotes.

Submissions (2):

Ambry Genetics
Classification: Uncertain significance for Hereditary cancer-predisposing syndrome. Last evaluated: 2026-06-02. Review status: criteria provided, single submitter. Criteria: Ambry Variant Classification Scheme 2023. Collection method: clinical testing. Allele origin: germline.
Comment: The p.A454T variant (also known as c.1360G>A), located in coding exon 7 of the DICER1 gene, results from a G to A substitution at nucleotide position 1360. The alanine at codon 454 is replaced by threonine, an amino acid with similar properties. This amino acid position is highly conserved in available vertebrate species. In addition, the in silico prediction for this alteration is inconclusive. Based on the available evidence, the clinical significance of this variant remains unclear.

Labcorp Genetics (formerly Invitae), Labcorp
Classification: Uncertain significance for DICER1-related tumor predisposition. Last evaluated: 2021-11-12. Review status: criteria provided, single submitter. Criteria: Invitae Variant Classification Sherloc (09022015). Collection method: clinical testing. Allele origin: germline.
Comment: In summary, the available evidence is currently insufficient to determine the role of this variant in disease. Therefore, it has been classified as a Variant of Uncertain Significance. Algorithms developed to predict the effect of missense changes on protein structure and function (SIFT, PolyPhen-2, Align-GVGD) all suggest that this variant is likely to be disruptive. This variant has not been reported in the literature in individuals affected with DICER1-related conditions. This variant is present in population databases (rs368535616, gnomAD 0.002%). This sequence change replaces alanine, which is neutral and non-polar, with threonine, which is neutral and polar, at codon 454 of the DICER1 protein (p.Ala454Thr).

NM_177438.3(DICER1):c.1360G>A (p.Ala454Thr)

Gene: DICER1 (dicer 1, ribonuclease III; minus strand). Cytogenetic location: 14q32.13.
Variant type: single nucleotide variant.
Coding change: c.1360G>A on transcript NM_177438.3 (MANE Select); coding-DNA position 1360, G replaced by A.
Protein change: p.Ala454Thr; replaces alanine 454 with threonine.
Molecular consequence: missense variant.
Genome position (GRCh38, 1-based): chr14:95,124,212, C>T on the plus strand (G>A on the coding strand, the complement: DICER1 is on the minus strand). VCF-style: chr14-95124212-C-T. GRCh37 (hg19) VCF-style: chr14-95590549-C-T.
Other names: c.1360G>A, p.Ala454Thr (NM_001195573.1, NM_001271282.3, NM_001291628.2 and 1 more transcripts); c.1360G>A (NM_177438.2); short protein forms A454T.
Identifiers: ClinVar variation 1392808 (VCV001392808.8), dbSNP rs368535616, ClinGen allele CA7331505.